The following is an entry in ClinVar:

ClinVar aggregate classification (germline): Uncertain significance. Review status: criteria provided, multiple submitters, no conflicts (2 of 4 stars). 3 submissions from 3 submitters: Uncertain significance (3). Last evaluated 2025-08-23.

Conditions:
Fanconi anemia (FA). Also called: Fanconi's anemia. Identifiers: Orphanet 84, MedGen C0015625, MeSH D005199, MONDO:0019391.
Fanconi anemia complementation group D2. Also called: FANCD2-Related Fanconi Anemia; FANCONI PANCYTOPENIA, TYPE 4; FANCONI ANEMIA, COMPLEMENTATION GROUP D. Identifiers: Orphanet 84, MedGen C3160738, MONDO:0009214, OMIM 227646.

Allele frequency attached by ClinVar (database versions not stated): gnomAD exomes 0.00004 and 0.00002; gnomAD 0.00001; ExAC 0.00002; TOPMed 0.00001.
gnomAD v4.1: 54 of 1,613,654 alleles (0.0033%); highest among the groups gnomAD compares: Middle Eastern, 0.017%; no homozygotes.

Submissions (3):

Labcorp Genetics (formerly Invitae), Labcorp
Classification: Uncertain significance for Fanconi anemia. Last evaluated: 2025-08-23. Review status: criteria provided, single submitter. Criteria: Invitae Variant Classification Sherloc (09022015). Collection method: clinical testing. Allele origin: germline.
Comment: This sequence change replaces arginine, which is basic and polar, with cysteine, which is neutral and slightly polar, at codon 1299 of the FANCD2 protein (p.Arg1299Cys). This variant is present in population databases (rs555348798, gnomAD 0.003%). This variant has not been reported in the literature in individuals affected with FANCD2-related conditions. ClinVar contains an entry for this variant (Variation ID: 952747). Invitae Evidence Modeling of protein sequence and biophysical properties (such as structural, functional, and spatial information, amino acid conservation, physicochemical variation, residue mobility, and thermodynamic stability) indicates that this missense variant is expected to disrupt FANCD2 protein function with a positive predictive value of 80%. Algorithms developed to predict the effect of sequence changes on RNA splicing suggest that this variant may disrupt the consensus splice site. In summary, the available evidence is currently insufficient to determine the role of this variant in disease. Therefore, it has been classified as a Variant of Uncertain Significance.

Blueprint Genetics
Classification: Uncertain significance. Last evaluated: 2024-11-11. Review status: criteria provided, single submitter. Criteria: ACMG Guidelines, 2015. Collection method: clinical testing. Allele origin: germline.

Fulgent Genetics
Classification: Uncertain significance for Fanconi anemia complementation group D2. Last evaluated: 2023-12-29. Review status: criteria provided, single submitter. Criteria: ACMG Guidelines, 2015. Collection method: clinical testing. Allele origin: germline.

NM_001018115.3(FANCD2):c.3895C>T (p.Arg1299Cys)

Genes: FANCD2 (FA complementation group D2; plus strand), FANCD2OS (FANCD2 opposite strand; minus strand). Cytogenetic location: 3p25.3.
Variant type: single nucleotide variant.
Coding change: c.3895C>T on transcript NM_001018115.3 (MANE Select); coding-DNA position 3895, C replaced by T.
Protein change: p.Arg1299Cys; replaces arginine 1299 with cysteine.
Molecular consequence: missense variant. On other transcripts: intron variant (1).
Genome position (GRCh38, 1-based): chr3:10,094,295, C>T. VCF-style: chr3-10094295-C-T. GRCh37 (hg19) VCF-style: chr3-10135979-C-T.
Other names: c.3895C>T, p.Arg1299Cys (NM_001319984.2, NM_033084.6); c.3784C>T, p.Arg1262Cys (NM_001374253.1); c.3856C>T, p.Arg1286Cys (NM_001374254.1); c.*43+9903G>A (NM_173472.2); short protein forms R1262C, R1286C, R1299C.
Identifiers: ClinVar variation 952747 (VCV000952747.11), dbSNP rs555348798, ClinGen allele CA2250565.